The following is an entry in ClinVar:

NM_005886.3(KATNB1):c.930G>A (p.Thr310=)

Gene: KATNB1 (katanin regulatory subunit B1; plus strand). Cytogenetic location: 16q21.
Variant type: single nucleotide variant.
Coding change: c.930G>A on transcript NM_005886.3 (MANE Select); coding-DNA position 930, G replaced by A.
Protein change: p.Thr310=; no amino-acid change (threonine 310 retained).
Molecular consequence: synonymous variant.
Genome position (GRCh38, 1-based): chr16:57,753,151, G>A. VCF-style: chr16-57753151-G-A. GRCh37 (hg19) VCF-style: chr16-57787063-G-A.
Identifiers: ClinVar variation 1336900 (VCV001336900.37), dbSNP rs147460464, ClinGen allele CA8080949.

ClinVar aggregate classification (germline): Likely benign. Review status: criteria provided, multiple submitters, no conflicts (2 of 4 stars). 5 submissions from 5 submitters: Likely benign (4). 1 of the submissions does not count toward it. Last evaluated 2025-10-23.

Conditions:
KATNB1-related disorder. Also called: KATNB1-related condition.

Allele frequency attached by ClinVar (database versions not stated): 1000 Genomes Project 30x 0.00031.
gnomAD v4.1: 77 of 1,611,262 alleles (0.0048%); highest among the groups gnomAD compares: Middle Eastern, 0.083%; no homozygotes.

Submissions (5):

Labcorp Genetics (formerly Invitae), Labcorp
Classification: Likely benign. Last evaluated: 2025-10-23. Review status: criteria provided, single submitter. Criteria: Invitae Variant Classification Sherloc (09022015). Collection method: clinical testing. Allele origin: germline.

Blueprint Genetics
Classification: Likely benign. Last evaluated: 2024-09-18. Review status: criteria provided, single submitter. Criteria: ACMG Guidelines, 2015. Collection method: clinical testing. Allele origin: germline.

CeGaT Center for Human Genetics Tuebingen
Classification: Likely benign. Last evaluated: 2022-09-01. Review status: criteria provided, single submitter. Criteria: CeGaT Center For Human Genetics Tuebingen Variant Classification Criteria Version 2. Collection method: clinical testing. Allele origin: germline. Affected: yes. Observed: 1 variant allele.
Comment: KATNB1: BP4, BP7

Genetic Services Laboratory, University of Chicago
Classification: Likely benign. Last evaluated: 2018-11-20. Review status: criteria provided, single submitter. Criteria: ACMG Guidelines, 2015. Collection method: clinical testing. Allele origin: germline. Affected: no.

PreventionGenetics, part of Exact Sciences
Classification: Likely benign for KATNB1-related condition. Last evaluated: 2019-06-12. Review status: no assertion criteria provided. Collection method: clinical testing. Allele origin: germline. Not counted in ClinVar's aggregate classification.
Comment: This variant is classified as likely benign based on ACMG/AMP sequence variant interpretation guidelines (Richards et al. 2015 PMID: 25741868, with internal and published modifications).